The following is an entry in ClinVar:

ClinVar aggregate classification (germline): Uncertain significance (1 of 4 stars; one submission).

Conditions:
Episodic ataxia type 2 (EA2). Also called: ATAXIA, EPISODIC, WITH NYSTAGMUS; ATAXIA, FAMILIAL PAROXYSMAL; CEREBELLAR ATAXIA, PAROXYSMAL, ACETAZOLAMIDE-RESPONSIVE; CEREBELLOPATHY, HEREDITARY PAROXYSMAL; EPISODIC ATAXIA, NYSTAGMUS-ASSOCIATED; ACETAZOLAMIDE-RESPONSIVE HEREDITARY PAROXYSMAL CEREBELLAR ATAXIA. Identifiers: Orphanet 97, MedGen C1720416, MONDO:0007163, OMIM 108500.
Migraine, familial hemiplegic, 1. Also called: MIGRAINE, FAMILIAL HEMIPLEGIC 1, WITH PROGRESSIVE CEREBELLAR ATAXIA. Identifiers: Orphanet 569, MedGen C1832884, MONDO:0020756, OMIM 141500, MONDO:0007714.

Submission:

Center for Human Genetics and Genomic Medicine, Uniklinik Rwth Aachen
Classification: Uncertain significance for Migraine, familial hemiplegic, 1; Episodic ataxia type 2. Last evaluated: 2021-10-04. Review status: criteria provided, single submitter. Criteria: ACMG Guidelines, 2015. Collection method: clinical testing. Allele origin: unknown. Affected: yes.
Comment: The p.(Asn834Asp) variant in CACNA1A is absent from control cohorts (no frequency in gnomAD) and has not been reported in the literature in individuals with CACNA1A-related conditions. Bioinformatic tools do not fully agree on the impact of this variation (SIFT (v6.2.0): deleterious, MutationTaster (v2013): disease causing, PolyPhen-2: probably damaging, Align GVGD (v2007): class C0). At this time, the available information is not sufficient to assess the role of the variant in CACNA1A-related disorders. Therefore, this variant was classfied as variant of uncertain significance.

NM_001127222.2(CACNA1A):c.2488A>G (p.Asn830Asp)

Gene: CACNA1A (calcium voltage-gated channel subunit alpha1 A; minus strand). Cytogenetic location: 19p13.13.
Variant type: single nucleotide variant.
Coding change: c.2488A>G on transcript NM_001127222.2 (MANE Select); coding-DNA position 2488, A replaced by G.
Protein change: p.Asn830Asp; replaces asparagine 830 with aspartic acid.
Molecular consequence: missense variant.
Genome position (GRCh38, 1-based): chr19:13,299,145, T>C on the plus strand (A>G on the coding strand, the complement: CACNA1A is on the minus strand). VCF-style: chr19-13299145-T-C. GRCh37 (hg19) VCF-style: chr19-13409959-T-C.
Other names: c.2500A>G, p.Asn834Asp (NM_000068.4, NM_023035.3); c.2491A>G, p.Asn831Asp (NM_001127221.2, NM_001174080.2); short protein forms N830D, N831D, N834D.
Identifiers: ClinVar variation 1299251 (VCV001299251.2), dbSNP rs2144957160, ClinGen allele CA404343345.